The following is an entry in ClinVar:

ClinVar aggregate classification (germline): Uncertain significance (1 of 4 stars; one submission).

Submission:

Mayo Clinic Laboratories, Mayo Clinic
Classification: Uncertain significance. Last evaluated: 2025-03-03. Review status: criteria provided, single submitter. Criteria: ACMG Guidelines, 2015. Collection method: clinical testing. Allele origin: germline. Observed: 1 variant allele.
Comment: BP4, PM2_supporting

NM_001012339.3(DNAJC21):c.1576G>C (p.Glu526Gln)

Gene: DNAJC21 (DnaJ heat shock protein family (Hsp40) member C21; plus strand). Cytogenetic location: 5p13.2.
Variant type: single nucleotide variant.
Coding change: c.1576G>C on transcript NM_001012339.3 (MANE Select); coding-DNA position 1576, G replaced by C.
Protein change: p.Glu526Gln; replaces glutamic acid 526 with glutamine.
Molecular consequence: missense variant.
Genome position (GRCh38, 1-based): chr5:34,954,694, G>C. VCF-style: chr5-34954694-G-C. GRCh37 (hg19) VCF-style: chr5-34954799-G-C.
Other names: p.Glu526Gln; c.1615G>C, p.Glu539Gln (NM_001348420.2); c.1711G>C, p.Glu571Gln (NM_194283.4); short protein forms E526Q, E539Q, E571Q.
Identifiers: ClinVar variation 4541038 (VCV004541038.1).
Genomic context (GRCh38, chr5:34,954,694, plus strand): 5'-CATGCAAGAGCACCTTCATCATCGTCTTTAAACAGCGCAACAAGTAGTCAAAGCAAGAAA[G>C]AGAAACGTAAAAACAGATAGAGATTCTGCCTGTGCTTTTGTTTGACTGTCTCTAGATTTT-3'
Protein context (NP_001012339.2, residues 516-531): NSATSSQSKK[Glu526Gln]KRKNR